The following is an entry in ClinVar:

NM_001369.3(DNAH5):c.9858_9859insCATAGATGCACCT (p.Ala3287fs)

Gene: DNAH5 (dynein axonemal heavy chain 5; minus strand). Cytogenetic location: 5p15.2.
Variant type: Insertion.
Coding change: c.9858_9859insCATAGATGCACCT on transcript NM_001369.3 (MANE Select); coding-DNA positions 9858 to 9859, CATAGATGCACCT inserted.
Protein change: p.Ala3287fs; shifts the reading frame from alanine 3287.
Molecular consequence: frameshift variant.
Genome position: GRCh38 VCF-style: chr5-13768998-C-CAGGTGCATCTATG. GRCh37 (hg19) VCF-style: chr5-13769107-C-CAGGTGCATCTATG.
Other names: short protein forms A3287fs.
Identifiers: ClinVar variation 5010497 (VCV005010497.1).

ClinVar aggregate classification (germline): Pathogenic (1 of 4 stars; one submission).

Conditions:
Primary ciliary dyskinesia 3. Identifiers: Orphanet 244, MedGen C1837618, MONDO:0012085, OMIM 608644.

Submission:

Myriad Genetics, Inc.
Classification: Pathogenic for Primary ciliary dyskinesia 3. Last evaluated: 2024-05-14. Review status: criteria provided, single submitter. Criteria: Myriad Autosomal Dominant, Autosomal Recessive and X-Linked Classification Criteria (2023). Collection method: clinical testing. Allele origin: unknown.
Comment: NM_001369.2(DNAH5):c.9858_9859ins13(A3287Hfs*58) is expected to be pathogenic in the context of primary ciliary dyskinesia, DNAH5-related. This variant is predicted to lead to an abnormal or absent protein product due to the creation of a premature termination codon in DNAH5, a gene where loss-of-function variants are known to be pathogenic. Please note: this variant was assessed in the context of healthy population screening.